The following is an entry in ClinVar:

ClinVar aggregate classification (germline): Uncertain significance (1 of 4 stars; one submission).

Submission:

GeneDx
Classification: Uncertain significance. Last evaluated: 2022-12-16. Review status: criteria provided, single submitter. Criteria: GeneDx Variant Classification Process June 2021. Collection method: clinical testing. Allele origin: germline. Affected: yes.
Comment: Not observed at significant frequency in large population cohorts (gnomAD); In-frame deletion of 4 amino acids in a non-repeat region; In silico analysis supports a deleterious effect on protein structure/function; Has not been previously published as pathogenic or benign to our knowledge

NM_013275.6(ANKRD11):c.7255_7266del (p.Val2419_Ile2422del)

Gene: ANKRD11 (ankyrin repeat domain containing 11; minus strand). Cytogenetic location: 16q24.3.
Variant type: Deletion.
Coding change: c.7255_7266del on transcript NM_013275.6 (MANE Select); coding-DNA positions 7255 to 7266, 12 bases deleted (GTGGACGCCATC).
Protein change: p.Val2419_Ile2422del.
Molecular consequence: inframe deletion.
Genome position (GRCh38, 1-based): chr16:89,279,276-89,279,287, GATGGCGTCCAC deleted on the plus strand (GTGGACGCCATC on the coding strand, the reverse complement: ANKRD11 is on the minus strand); deleting any 12 consecutive bases within chr16:89,279,276-89,279,294 gives the same sequence; the c. name uses the placement nearest the transcript's 3' end. VCF-style (leftmost placement, unchanged base first): chr16-89279275-TGATGGCGTCCAC-T. GRCh37 (hg19) VCF-style: chr16-89345683-TGATGGCGTCCAC-T.
Other names: c.7255_7266del, p.Val2419_Ile2422del (NM_001256182.2, NM_001256183.2).
Identifiers: ClinVar variation 2505686 (VCV002505686.1), dbSNP rs2033945360, ClinGen allele CA2241586610.
Genomic context (GRCh38, chr16:89,279,275, plus strand): 5'-GCAGGTATTCGAAGTAGGGGTTGGCCCTGTCGCTGTGGTAGGGCTCGATGGCATCCAGCT[TGATGGCGTCCAC>T]GATGGCGGCCAGCGTCTGCTGGATCACCTCCCGCGTCTGCTGCGTGGACGTGTTCAGCTG-3'